The following is an entry in ClinVar:

NM_015629.4(PRPF31):c.118C>T (p.Gln40Ter)

Gene: PRPF31 (pre-mRNA processing factor 31; plus strand). Cytogenetic location: 19q13.42.
Variant type: single nucleotide variant.
Coding change: c.118C>T on transcript NM_015629.4 (MANE Select); coding-DNA position 118, C replaced by T.
Protein change: p.Gln40Ter; replaces glutamine 40 with a stop codon.
Molecular consequence: nonsense.
Genome position (GRCh38, 1-based): chr19:54,118,396, C>T. VCF-style: chr19-54118396-C-T. GRCh37 (hg19) VCF-style: chr19-54621776-C-T.
Other names: short protein forms Q40*.
Identifiers: ClinVar variation 2972909 (VCV002972909.4), dbSNP rs2516079854, ClinGen allele CA407789703.

ClinVar aggregate classification (germline): Pathogenic/Likely pathogenic. Review status: criteria provided, multiple submitters, no conflicts (2 of 4 stars). 2 submissions from 2 submitters: Pathogenic (1); Likely pathogenic (1). Last evaluated 2023-10-01.

Conditions:
Retinal dystrophy. Also called: Inherited retinal dystrophy. Identifiers: Orphanet 71862, MedGen C0854723, MeSH D058499, MONDO:0019118, HP:0000556.

Submissions (2):

Dept Of Ophthalmology, Nagoya University
Classification: Likely pathogenic for Retinal dystrophy. Last evaluated: 2023-10-01. Review status: criteria provided, single submitter. Criteria: Submitter's publication. Collection method: research. Allele origin: germline. Affected: yes.

Labcorp Genetics (formerly Invitae), Labcorp
Classification: Pathogenic. Last evaluated: 2023-03-22. Review status: criteria provided, single submitter. Criteria: Invitae Variant Classification Sherloc (09022015). Collection method: clinical testing. Allele origin: germline.
Comment: For these reasons, this variant has been classified as Pathogenic. This sequence change creates a premature translational stop signal (p.Gln40*) in the PRPF31 gene. It is expected to result in an absent or disrupted protein product. Loss-of-function variants in PRPF31 are known to be pathogenic (PMID: 18317597, 23950152). This variant is not present in population databases (gnomAD no frequency). This premature translational stop signal has been observed in individual(s) with clinical features of PRPF31-related conditions (PMID: 31054281, 32037395).

Literature cited by the submitters: PubMed 18317597 (cited by Labcorp Genetics (formerly Invitae), Labcorp); PubMed 23950152 (cited by Labcorp Genetics (formerly Invitae), Labcorp); PubMed 31054281 (cited by Labcorp Genetics (formerly Invitae), Labcorp); PubMed 32037395 (cited by Labcorp Genetics (formerly Invitae), Labcorp).